The following is an entry in ClinVar:

ClinVar aggregate classification (germline): Uncertain significance. Review status: criteria provided, single submitter (1 of 4 stars). 2 submissions from 2 submitters: Uncertain significance (1). 1 of the submissions does not count toward it. Last evaluated 2022-08-09.

Conditions:
CARMIL2-related disorder. Also called: CARMIL2-related condition.

Allele frequency attached by ClinVar (database versions not stated): gnomAD 0.00001.
gnomAD v4.1: 6 of 1,586,236 alleles (0.00038%); highest among the groups gnomAD compares: Non-Finnish European, 0.00043%; no homozygotes.

Submissions (2):

Labcorp Genetics (formerly Invitae), Labcorp
Classification: Uncertain significance. Last evaluated: 2022-08-09. Review status: criteria provided, single submitter. Criteria: Invitae Variant Classification Sherloc (09022015). Collection method: clinical testing. Allele origin: germline.
Comment: In summary, the available evidence is currently insufficient to determine the role of this variant in disease. Therefore, it has been classified as a Variant of Uncertain Significance. Algorithms developed to predict the effect of missense changes on protein structure and function are either unavailable or do not agree on the potential impact of this missense change (SIFT: "Tolerated"; PolyPhen-2: "Probably Damaging"; Align-GVGD: "Class C0"). This sequence change replaces glutamic acid, which is acidic and polar, with aspartic acid, which is acidic and polar, at codon 1185 of the CARMIL2 protein (p.Glu1185Asp). This variant is present in population databases (rs758923852, gnomAD 0.002%). This variant has not been reported in the literature in individuals affected with CARMIL2-related conditions.

PreventionGenetics, part of Exact Sciences
Classification: Uncertain significance for CARMIL2-related condition. Last evaluated: 2024-07-30. Review status: no assertion criteria provided. Collection method: clinical testing. Allele origin: germline. Not counted in ClinVar's aggregate classification.
Comment: The CARMIL2 c.3555G>C variant is predicted to result in the amino acid substitution p.Glu1185Asp. To our knowledge, this variant has not been reported in the literature. This variant is reported in 0.0019% of alleles in individuals of European (Non-Finnish) descent in gnomAD. At this time, the clinical significance of this variant is uncertain due to the absence of conclusive functional and genetic evidence.

NM_001013838.3(CARMIL2):c.3555G>C (p.Glu1185Asp)

Gene: CARMIL2 (capping protein regulator and myosin 1 linker 2; plus strand). Cytogenetic location: 16q22.1.
Variant type: single nucleotide variant.
Coding change: c.3555G>C on transcript NM_001013838.3 (MANE Select); coding-DNA position 3555, G replaced by C.
Protein change: p.Glu1185Asp; replaces glutamic acid 1185 with aspartic acid.
Molecular consequence: missense variant.
Genome position (GRCh38, 1-based): chr16:67,654,665, G>C. VCF-style: chr16-67654665-G-C. GRCh37 (hg19) VCF-style: chr16-67688568-G-C.
Other names: c.3555G>C (NM_001013838.1); c.3447G>C, p.Glu1149Asp (NM_001317026.3); short protein forms E1149D, E1185D.
Identifiers: ClinVar variation 1966041 (VCV001966041.6), dbSNP rs758923852, ClinGen allele CA8114040.